The following is an entry in ClinVar:

ClinVar aggregate classification (germline): Uncertain significance (1 of 4 stars; one submission).

gnomAD v4.1: 1 of 1,595,178 alleles (0.000063%); highest among the groups gnomAD compares: Non-Finnish European, 0.000085%; no homozygotes.

Submission:

Labcorp Genetics (formerly Invitae), Labcorp
Classification: Uncertain significance. Last evaluated: 2025-10-21. Review status: criteria provided, single submitter. Criteria: Invitae Variant Classification Sherloc (09022015). Collection method: clinical testing. Allele origin: germline.
Comment: This sequence change replaces glutamic acid, which is acidic and polar, with lysine, which is basic and polar, at codon 600 of the DHX37 protein (p.Glu600Lys). This variant is not present in population databases (gnomAD no frequency). This variant has not been reported in the literature in individuals affected with DHX37-related conditions. Invitae Evidence Modeling of protein sequence and biophysical properties (such as structural, functional, and spatial information, amino acid conservation, physicochemical variation, residue mobility, and thermodynamic stability) indicates that this missense variant is not expected to disrupt DHX37 protein function with a negative predictive value of 80%. In summary, the available evidence is currently insufficient to determine the role of this variant in disease. Therefore, it has been classified as a Variant of Uncertain Significance.

NM_032656.4(DHX37):c.1798G>A (p.Glu600Lys)

Gene: DHX37 (DEAH-box helicase 37; minus strand). Cytogenetic location: 12q24.31.
Variant type: single nucleotide variant.
Coding change: c.1798G>A on transcript NM_032656.4 (MANE Select); coding-DNA position 1798, G replaced by A.
Protein change: p.Glu600Lys; replaces glutamic acid 600 with lysine.
Molecular consequence: missense variant.
Genome position (GRCh38, 1-based): chr12:124,964,944, C>T on the plus strand (G>A on the coding strand, the complement: DHX37 is on the minus strand). VCF-style: chr12-124964944-C-T. GRCh37 (hg19) VCF-style: chr12-125449490-C-T.
Other names: short protein forms E600K.
Identifiers: ClinVar variation 4772129 (VCV004772129.1).